The following is an entry in ClinVar:

NC_000010.11:g.(?_86755016)_(86923719_?)dup

Gene: BMPR1A (bone morphogenetic protein receptor type 1A; plus strand). Cytogenetic location: 10q23.2.
Variant type: Duplication.
Identifiers: ClinVar variation 831874 (VCV000831874.3).

ClinVar aggregate classification (germline): Uncertain significance. Review status: criteria provided, single submitter (1 of 4 stars). 2 submissions from 1 submitter: Uncertain significance (2). Last evaluated 2021-10-13.

Conditions:
Generalized juvenile polyposis/juvenile polyposis coli. Also called: Juvenile polyposis coli. Identifiers: Orphanet 329971, MedGen C1868081, MONDO:0008276.
Juvenile polyposis syndrome (JPS). Identifiers: Orphanet 2929, MedGen C0345893, MONDO:0017380, OMIM 174900.

Submissions (2):

Labcorp Genetics (formerly Invitae), Labcorp
Classification: Uncertain significance for Juvenile polyposis syndrome. Last evaluated: 2021-10-13. Review status: criteria provided, single submitter. Criteria: Invitae Variant Classification Sherloc (09022015). Collection method: clinical testing. Allele origin: germline.
Comment: This variant results in a copy number gain of the genomic region encompassing the full coding sequence of the BMPR1A gene. The boundaries of this event are unknown as they extend beyond the assayed region for this gene and therefore may encompass additional genes. As the precise location of this event is unknown, it may be in tandem or it may be located elsewhere in the genome. This variant has not been reported in the literature in individuals with BMPR1A-related conditions. In summary, the available evidence is currently insufficient to determine the role of this variant in disease. Therefore, it has been classified as a Variant of Uncertain Significance.

Labcorp Genetics (formerly Invitae), Labcorp
Classification: Uncertain significance for Juvenile polyposis syndrome. Last evaluated: 2019-09-29. Review status: criteria provided, single submitter. Criteria: Invitae Variant Classification Sherloc (09022015). Collection method: clinical testing. Allele origin: germline.
Comment: the same text as in the submission from Labcorp Genetics (formerly Invitae), Labcorp above.